The following is an entry in ClinVar:

NM_001184.4(ATR):c.4068A>C (p.Glu1356Asp)

Gene: ATR (ATR checkpoint kinase; minus strand). Cytogenetic location: 3q23.
Variant type: single nucleotide variant.
Coding change: c.4068A>C on transcript NM_001184.4 (MANE Select); coding-DNA position 4068, A replaced by C.
Protein change: p.Glu1356Asp; replaces glutamic acid 1356 with aspartic acid.
Molecular consequence: missense variant.
Genome position (GRCh38, 1-based): chr3:142,524,077, T>G on the plus strand (A>C on the coding strand, the complement: ATR is on the minus strand). VCF-style: chr3-142524077-T-G. GRCh37 (hg19) VCF-style: chr3-142242919-T-G.
Other names: c.3876A>C, p.Glu1292Asp (NM_001354579.2); short protein forms E1292D, E1356D.
Identifiers: ClinVar variation 1048879 (VCV001048879.1), dbSNP rs534071055, ClinGen allele CA354802451.
Genomic context (GRCh38, chr3:142,524,077, plus strand): 5'-AGTTTCAGTTGTTGAGAAATCTAATCGACCTGGATCTATCGCCCCCAATTCCCCTAAACA[T>G]TCCCCACAGAGCAACCGAGCTTGAGAGTTTGCATCTTGGCAACCTTTCAAAAGCACTGTC-3'
Protein context (NP_001175.2, residues 1346-1366): ANSQARLLCG[Glu1356Asp]CLGELGAIDP

ClinVar aggregate classification (germline): Uncertain significance (0 of 4 stars; one submission).

Allele frequency attached by ClinVar (database versions not stated): gnomAD exomes 0.00001.
gnomAD v4.1: 10 of 1,614,060 alleles (0.00062%); highest among the groups gnomAD compares: Non-Finnish European, 0.00085%; no homozygotes.

Submission:

Department of Pathology and Laboratory Medicine, Sinai Health System
Classification: Uncertain significance. Review status: no assertion criteria provided. Collection method: clinical testing. Allele origin: unknown. Affected: yes. Study: The Canadian Open Genetics Repository (COGR).
Comment: The ATR p.Glu1356Asp variant was not identified in the literature nor was it identified in dbSNP, ClinVar, Cosmic, MutDB, LOVD 3.0, the 1000 Genomes Project, the NHLBI GO Exome Sequencing Project, the Exome Aggregation Consortium (August 8th 2016), or the Genome Aggregation Database (Feb 27, 2017). The variant occurs outside of the splicing consensus sequence and in silico or computational prediction software programs (SpliceSiteFinder, MaxEntScan, NNSPLICE, GeneSplicer) do not predict a difference in splicing. The p.Glu1356 residue is conserved in mammals and distantly related organisms. Computational analyses (PolyPhen-2, SIFT, AlignGVGD, BLOSUM, and MutationTaster) provide inconsistent predictions regarding the impact to the protein; this information is not very predictive of pathogenicity. In summary, based on the above information the clinical significance of this variant cannot be determined with certainty at this time. This variant is classified as a variant of uncertain significance.